The following is an entry in ClinVar:

NM_032861.4(SERAC1):c.1272G>A (p.Met424Ile)

Gene: SERAC1 (serine active site containing 1; minus strand). Cytogenetic location: 6q25.3.
Variant type: single nucleotide variant.
Coding change: c.1272G>A on transcript NM_032861.4 (MANE Select); coding-DNA position 1272, G replaced by A.
Protein change: p.Met424Ile; replaces methionine 424 with isoleucine.
Molecular consequence: missense variant. On other transcripts: non-coding transcript variant (1).
Genome position (GRCh38, 1-based): chr6:158,119,065, C>T on the plus strand (G>A on the coding strand, the complement: SERAC1 is on the minus strand). VCF-style: chr6-158119065-C-T. GRCh37 (hg19) VCF-style: chr6-158540097-C-T.
Other names: c.1272G>A (NM_032861.3); short protein forms M424I.
Identifiers: ClinVar variation 1907644 (VCV001907644.6), dbSNP rs779015488, ClinGen allele CA4071152.

ClinVar aggregate classification (germline): Uncertain significance. Review status: criteria provided, multiple submitters, no conflicts (2 of 4 stars). 2 submissions from 2 submitters: Uncertain significance (2). Last evaluated 2026-04-12.

Conditions:
SERAC1-related disorder. Also called: SERAC1-related condition; SERAC1-related disorders.
3-methylglutaconic aciduria with deafness, encephalopathy, and Leigh-like syndrome (MEGDEL). Also called: 3-METHYLGLUTACONIC ACIDURIA, TYPE VI; SERAC1 Deficiency; MEGDEL syndrome. Identifiers: Orphanet 352328, MedGen C4040739, MONDO:0013875, OMIM 614739.

Allele frequency attached by ClinVar (database versions not stated): gnomAD exomes below 0.00001; TOPMed below 0.00001; ExAC 0.00001; gnomAD 0.00001.
gnomAD v4.1: 3 of 1,613,800 alleles (0.00019%); highest among the groups gnomAD compares: Admixed American, 0.0033%; no homozygotes.

Submissions (2):

PreventionGenetics, part of Exact Sciences
Classification: Uncertain significance for SERAC1-related condition. Last evaluated: 2026-04-12. Review status: criteria provided, single submitter. Criteria: ACMG Guidelines, 2015. Collection method: clinical testing. Allele origin: germline.
Comment: The SERAC1 c.1272G>A variant is predicted to result in the amino acid substitution p.Met424Ile. To our knowledge, this variant has not been reported in the literature. This variant is reported in 0.0057% of alleles in individuals of Latino descent in gnomAD. At this time, the clinical significance of this variant is uncertain due to the absence of conclusive functional and genetic evidence.

Labcorp Genetics (formerly Invitae), Labcorp
Classification: Uncertain significance for 3-methylglutaconic aciduria with deafness, encephalopathy, and Leigh-like syndrome. Last evaluated: 2022-04-28. Review status: criteria provided, single submitter. Criteria: Invitae Variant Classification Sherloc (09022015). Collection method: clinical testing. Allele origin: germline.
Comment: This variant has not been reported in the literature in individuals affected with SERAC1-related conditions. Algorithms developed to predict the effect of missense changes on protein structure and function output the following: SIFT: "Tolerated"; PolyPhen-2: "Benign"; Align-GVGD: "Class C0". The isoleucine amino acid residue is found in multiple mammalian species, which suggests that this missense change does not adversely affect protein function. In summary, the available evidence is currently insufficient to determine the role of this variant in disease. Therefore, it has been classified as a Variant of Uncertain Significance. This variant is present in population databases (rs779015488, gnomAD 0.006%). This sequence change replaces methionine, which is neutral and non-polar, with isoleucine, which is neutral and non-polar, at codon 424 of the SERAC1 protein (p.Met424Ile).